The following is an entry in ClinVar:

NM_001267550.2(TTN):c.67253T>A (p.Leu22418Ter)

Genes: TTN-AS1 (TTN antisense RNA 1; plus strand), TTN (titin; minus strand). Cytogenetic location: 2q31.2.
Variant type: single nucleotide variant.
Coding change: c.67253T>A on transcript NM_001267550.2 (MANE Select); coding-DNA position 67253, T replaced by A.
Protein change: p.Leu22418Ter; replaces leucine 22418 with a stop codon.
Molecular consequence: nonsense.
Genome position (GRCh38, 1-based): chr2:178,580,034, A>T on the plus strand (T>A on the coding strand, the complement: TTN is on the minus strand). VCF-style: chr2-178580034-A-T. GRCh37 (hg19) VCF-style: chr2-179444761-A-T.
Other names: c.62330T>A, p.Leu20777Ter (NM_001256850.1); c.40058T>A, p.Leu13353Ter (NM_003319.4); c.59549T>A, p.Leu19850Ter (NM_133378.4); c.40433T>A, p.Leu13478Ter (NM_133432.3); c.40634T>A, p.Leu13545Ter (NM_133437.4); short protein forms L13353*, L13478*, L13545*, L19850*, L20777*, L22418*.
Identifiers: ClinVar variation 3759937 (VCV003759937.2).

ClinVar aggregate classification (germline): Likely pathogenic (1 of 4 stars; one submission).

Conditions:
Dilated cardiomyopathy 1G (CMD1G). Identifiers: Orphanet 154, MedGen C1858763, MONDO:0011400, OMIM 604145.
Autosomal recessive limb-girdle muscular dystrophy type 2J (LGMDR10). Also called: Limb-girdle muscular dystrophy, type 2J; MUSCULAR DYSTROPHY, LIMB-GIRDLE, AUTOSOMAL RECESSIVE 10. Identifiers: Orphanet 140922, MedGen C1837342, MONDO:0012127, OMIM 608807.

Submission:

Labcorp Genetics (formerly Invitae), Labcorp
Classification: Likely pathogenic for Dilated cardiomyopathy 1G; Autosomal recessive limb-girdle muscular dystrophy type 2J. Last evaluated: 2024-12-02. Review status: criteria provided, single submitter. Criteria: Invitae Variant Classification Sherloc (09022015). Collection method: clinical testing. Allele origin: germline.
Comment: This sequence change creates a premature translational stop signal (p.Leu22418*) in the TTN gene. While this is not anticipated to result in nonsense mediated decay, it is expected to create a truncated TTN protein. This variant is not present in population databases (gnomAD no frequency). This variant has not been reported in the literature in individuals affected with TTN-related conditions. Algorithms developed to predict the effect of sequence changes on RNA splicing suggest that this variant may disrupt the consensus splice site. This variant is located in the A band of TTN (PMID: 25589632). Truncating variants in this region are significantly overrepresented in patients affected with dilated cardiomyopathy (PMID: 25589632). Truncating variants in this region have also been reported in individuals affected with autosomal recessive centronuclear myopathy (PMID: 23975875). In summary, the currently available evidence indicates that the variant is pathogenic, but additional data are needed to prove that conclusively. Therefore, this variant has been classified as Likely Pathogenic.

Literature cited by the submitters: PubMed 25589632; PubMed 23975875.